The following is an entry in ClinVar:

NM_022095.4(ZNF335):c.3043G>C (p.Ala1015Pro)

Gene: ZNF335 (zinc finger protein 335; minus strand). Cytogenetic location: 20q13.12.
Variant type: single nucleotide variant.
Coding change: c.3043G>C on transcript NM_022095.4 (MANE Select); coding-DNA position 3043, G replaced by C.
Protein change: p.Ala1015Pro; replaces alanine 1015 with proline.
Molecular consequence: missense variant.
Genome position (GRCh38, 1-based): chr20:45,952,293, C>G on the plus strand (G>C on the coding strand, the complement: ZNF335 is on the minus strand). VCF-style: chr20-45952293-C-G. GRCh37 (hg19) VCF-style: chr20-44580932-C-G.
Other names: short protein forms A1015P.
Identifiers: ClinVar variation 3602509 (VCV003602509.1).

ClinVar aggregate classification (germline): Uncertain significance (1 of 4 stars; one submission).

Submission:

GeneDx
Classification: Uncertain significance. Last evaluated: 2024-07-30. Review status: criteria provided, single submitter. Criteria: GeneDx Variant Classification Process June 2021. Collection method: clinical testing. Allele origin: germline. Affected: yes.
Comment: Not observed at significant frequency in large population cohorts (gnomAD); In silico analysis indicates that this missense variant does not alter protein structure/function; Has not been previously published as pathogenic or benign to our knowledge